The following is an entry in ClinVar:

ClinVar aggregate classification (germline): Uncertain significance (1 of 4 stars; one submission).

Conditions:
Spermatogenic failure 18. Identifiers: MedGen C4539783, MONDO:0054615, OMIM 617576.
Ciliary dyskinesia, primary, 37 (CILD37). Also called: CILIARY DYSKINESIA, PRIMARY, 37, WITH OR WITHOUT SITUS INVERSUS. Identifiers: MedGen C4539798, MONDO:0033204, OMIM 617577.

Allele frequency attached by ClinVar (database versions not stated): gnomAD 0.00001; TOPMed 0.00008; ExAC 0.00012.
gnomAD v4.1: 27 of 1,613,204 alleles (0.0017%); highest among the groups gnomAD compares: Admixed American, 0.03%; no homozygotes.

Submission:

Labcorp Genetics (formerly Invitae), Labcorp
Classification: Uncertain significance for Ciliary dyskinesia, primary, 37; Spermatogenic failure 18. Last evaluated: 2022-05-02. Review status: criteria provided, single submitter. Criteria: Invitae Variant Classification Sherloc (09022015). Collection method: clinical testing. Allele origin: germline.
Comment: This sequence change replaces arginine, which is basic and polar, with cysteine, which is neutral and slightly polar, at codon 2359 of the DNAH1 protein (p.Arg2359Cys). This variant is present in population databases (rs774675368, gnomAD 0.04%). This variant has not been reported in the literature in individuals affected with DNAH1-related conditions. Algorithms developed to predict the effect of missense changes on protein structure and function are either unavailable or do not agree on the potential impact of this missense change (SIFT: "Deleterious"; PolyPhen-2: "Probably Damaging"; Align-GVGD: "Class C0"). In summary, the available evidence is currently insufficient to determine the role of this variant in disease. Therefore, it has been classified as a Variant of Uncertain Significance.

NM_015512.5(DNAH1):c.7075C>T (p.Arg2359Cys)

Gene: DNAH1 (dynein axonemal heavy chain 1; plus strand). Cytogenetic location: 3p21.1.
Variant type: single nucleotide variant.
Coding change: c.7075C>T on transcript NM_015512.5 (MANE Select); coding-DNA position 7075, C replaced by T.
Protein change: p.Arg2359Cys; replaces arginine 2359 with cysteine.
Molecular consequence: missense variant.
Genome position (GRCh38, 1-based): chr3:52,375,329, C>T. VCF-style: chr3-52375329-C-T. GRCh37 (hg19) VCF-style: chr3-52409345-C-T.
Other names: short protein forms R2359C.
Identifiers: ClinVar variation 2153783 (VCV002153783.2), dbSNP rs774675368, ClinGen allele CA2434749.